The following is an entry in ClinVar:

ClinVar aggregate classification (germline): Uncertain significance. Review status: criteria provided, multiple submitters, no conflicts (2 of 4 stars). 2 submissions from 2 submitters: Uncertain significance (2). Last evaluated 2024-05-07.

Conditions:
Inborn genetic diseases. Identifiers: MedGen C0950123, MeSH D030342.

Allele frequency attached by ClinVar (database versions not stated): gnomAD 0.00001 and 0.00002; gnomAD exomes 0.00001 and 0.00003; TOPMed 0.00002; ExAC 0.00003; 1000 Genomes Project 0.00020; 1000 Genomes Project 30x 0.00031.
gnomAD v4.1: 11 of 1,614,170 alleles (0.00068%); highest among the groups gnomAD compares: East Asian, 0.025%; no homozygotes.

Submissions (2):

Ambry Genetics
Classification: Uncertain significance for Inborn genetic diseases. Last evaluated: 2024-05-07. Review status: criteria provided, single submitter. Criteria: Ambry Variant Classification Scheme 2023. Collection method: clinical testing. Allele origin: germline.

Labcorp Genetics (formerly Invitae), Labcorp
Classification: Uncertain significance. Last evaluated: 2022-09-06. Review status: criteria provided, single submitter. Criteria: Invitae Variant Classification Sherloc (09022015). Collection method: clinical testing. Allele origin: germline.
Comment: This sequence change replaces aspartic acid with glycine at codon 807 of the CDH3 protein (p.Asp807Gly). The aspartic acid residue is moderately conserved and there is a moderate physicochemical difference between aspartic acid and glycine. This variant is present in population databases (rs553378653, gnomAD 0.04%). This variant has not been reported in the literature in individuals affected with CDH3-related conditions. In summary, the available evidence is currently insufficient to determine the role of this variant in disease. Therefore, it has been classified as a Variant of Uncertain Significance. Algorithms developed to predict the effect of missense changes on protein structure and function are either unavailable or do not agree on the potential impact of this missense change (SIFT: "Not Available"; PolyPhen-2: "Possibly Damaging"; Align-GVGD: "Not Available").

NM_001793.6(CDH3):c.2420A>G (p.Asp807Gly)

Gene: CDH3 (cadherin 3; plus strand). Cytogenetic location: 16q22.1.
Variant type: single nucleotide variant.
Coding change: c.2420A>G on transcript NM_001793.6 (MANE Select); coding-DNA position 2420, A replaced by G.
Protein change: p.Asp807Gly; replaces aspartic acid 807 with glycine.
Molecular consequence: missense variant. On other transcripts: 3 prime UTR variant (1).
Genome position (GRCh38, 1-based): chr16:68,698,330, A>G. VCF-style: chr16-68698330-A-G. GRCh37 (hg19) VCF-style: chr16-68732233-A-G.
Other names: c.*163A>G (NM_001317195.3); c.2255A>G, p.Asp752Gly (NM_001317196.2); c.2420A>G (NM_001793.4); short protein forms D752G, D807G.
Identifiers: ClinVar variation 1362360 (VCV001362360.7), dbSNP rs553378653, ClinGen allele CA8129735.